The following is an entry in ClinVar:

ClinVar aggregate classification (germline): Likely benign. Review status: criteria provided, multiple submitters, no conflicts (2 of 4 stars). 2 submissions from 2 submitters: Likely benign (2). Last evaluated 2026-05-27.

Conditions:
Gastrointestinal stromal tumor. Also called: Gastrointestinal stroma tumor; Gastrointestinal stromal tumor, somatic. Identifiers: Orphanet 44890, MedGen C0238198, MeSH D046152, MONDO:0011719, OMIM 606764, HP:0100723.

Allele frequency attached by ClinVar (database versions not stated): ExAC 0.00002.
gnomAD v4.1: 8 of 1,517,332 alleles (0.00053%); highest among the groups gnomAD compares: Admixed American, 0.01%; no homozygotes.

Submissions (2):

Myriad Genetics, Inc.
Classification: Likely benign for Gastrointestinal stromal tumor. Last evaluated: 2026-05-27. Review status: criteria provided, single submitter. Criteria: Myriad Autosomal Dominant, Autosomal Recessive and X-Linked Classification Criteria (2023). Collection method: clinical testing. Allele origin: unknown.
Comment: This variant is considered likely benign. This variant is intronic and is not expected to impact mRNA splicing.

Labcorp Genetics (formerly Invitae), Labcorp
Classification: Likely benign for Gastrointestinal stromal tumor. Last evaluated: 2025-09-20. Review status: criteria provided, single submitter. Criteria: Invitae Variant Classification Sherloc (09022015). Collection method: clinical testing. Allele origin: germline.

NM_000222.3(KIT):c.1232-20C>T

Gene: KIT (KIT proto-oncogene, receptor tyrosine kinase; plus strand). Cytogenetic location: 4q12.
Variant type: single nucleotide variant.
Coding change: c.1232-20C>T on transcript NM_000222.3 (MANE Select); 20 bases into the intron before coding-DNA position 1232, C replaced by T.
Molecular consequence: intron variant.
Genome position (GRCh38, 1-based): chr4:54,723,564, C>T. VCF-style: chr4-54723564-C-T. GRCh37 (hg19) VCF-style: chr4-55589730-C-T.
Other names: c.1235-20C>T (NM_001385284.1, NM_001385290.1, NM_001385288.1 and 1 more transcripts); c.1232-20C>T (NM_001385285.1, NM_001093772.2, NM_001385286.1).
Identifiers: ClinVar variation 2197371 (VCV002197371.5), dbSNP rs760581405, ClinGen allele CA2923438.